The following is an entry in ClinVar:

ClinVar aggregate classification (germline): Uncertain significance (1 of 4 stars; one submission).

Conditions:
Baller-Gerold syndrome (BGS). Also called: CRANIOSYNOSTOSIS WITH RADIAL DEFECTS. Identifiers: Orphanet 1225, MedGen C0265308, MONDO:0009039, OMIM 218600.

Allele frequency attached by ClinVar (database versions not stated): gnomAD exomes below 0.00001 and 0.00002; ExAC 0.00001; TOPMed 0.00001; ESP Exome Variant Server 0.00008.
gnomAD v4.1: 21 of 1,612,546 alleles (0.0013%); highest among the groups gnomAD compares: Non-Finnish European, 0.0017%; no homozygotes.

Submission:

Labcorp Genetics (formerly Invitae), Labcorp
Classification: Uncertain significance for Baller-Gerold syndrome. Last evaluated: 2025-01-23. Review status: criteria provided, single submitter. Criteria: Invitae Variant Classification Sherloc (09022015). Collection method: clinical testing. Allele origin: germline.
Comment: This sequence change replaces serine, which is neutral and polar, with phenylalanine, which is neutral and non-polar, at codon 1156 of the RECQL4 protein (p.Ser1156Phe). This variant is present in population databases (rs373652049, gnomAD 0.003%). This variant has not been reported in the literature in individuals affected with RECQL4-related conditions. ClinVar contains an entry for this variant (Variation ID: 569780). Invitae Evidence Modeling of protein sequence and biophysical properties (such as structural, functional, and spatial information, amino acid conservation, physicochemical variation, residue mobility, and thermodynamic stability) indicates that this missense variant is expected to disrupt RECQL4 protein function with a positive predictive value of 80%. In summary, the available evidence is currently insufficient to determine the role of this variant in disease. Therefore, it has been classified as a Variant of Uncertain Significance.

NM_004260.4(RECQL4):c.3467C>T (p.Ser1156Phe)

Gene: RECQL4 (RecQ like helicase 4; minus strand). Cytogenetic location: 8q24.3.
Variant type: single nucleotide variant.
Coding change: c.3467C>T on transcript NM_004260.4 (MANE Select); coding-DNA position 3467, C replaced by T.
Protein change: p.Ser1156Phe; replaces serine 1156 with phenylalanine.
Molecular consequence: missense variant.
Genome position (GRCh38, 1-based): chr8:144,511,716, G>A on the plus strand (C>T on the coding strand, the complement: RECQL4 is on the minus strand). VCF-style: chr8-144511716-G-A. GRCh37 (hg19) VCF-style: chr8-145737099-G-A.
Other names: short protein forms S1156F.
Identifiers: ClinVar variation 569780 (VCV000569780.7), dbSNP rs373652049, ClinGen allele CA4947727.